The following is an entry in ClinVar:

NM_001388492.1(HTT):c.7938C>G (p.Ala2646=)

Gene: HTT (huntingtin; plus strand). Cytogenetic location: 4p16.3.
Variant type: single nucleotide variant.
Coding change: c.7938C>G on transcript NM_001388492.1 (MANE Select); coding-DNA position 7938, C replaced by G.
Protein change: p.Ala2646=; no amino-acid change (alanine 2646 retained).
Molecular consequence: synonymous variant.
Genome position (GRCh38, 1-based): chr4:3,228,704, C>G. VCF-style: chr4-3228704-C-G. GRCh37 (hg19) VCF-style: chr4-3230431-C-G.
Other names: c.7944C>G, p.Ala2648= (NM_002111.8).
Identifiers: ClinVar variation 1591673 (VCV001591673.31), dbSNP rs201422922, ClinGen allele CA2825540.

ClinVar aggregate classification (germline): Benign/Likely benign. Review status: criteria provided, multiple submitters, no conflicts (2 of 4 stars). 2 submissions from 2 submitters: Benign (1); Likely benign (1). Last evaluated 2022-11-01.

Allele frequency attached by ClinVar (database versions not stated): TOPMed 0.00018; ESP Exome Variant Server 0.00024; 1000 Genomes Project 30x 0.00031; 1000 Genomes Project 0.00040; gnomAD 0.00115 and 0.00121; ExAC 0.00188; gnomAD exomes 0.00190.
gnomAD v4.1: 1,434 of 1,609,142 alleles (0.089%); highest among the groups gnomAD compares: Non-Finnish European, 0.032%; 10 homozygotes.

Submissions (2):

CeGaT Center for Human Genetics Tuebingen
Classification: Likely benign. Last evaluated: 2022-11-01. Review status: criteria provided, single submitter. Criteria: CeGaT Center For Human Genetics Tuebingen Variant Classification Criteria Version 2. Collection method: clinical testing. Allele origin: germline. Affected: yes. Observed: 1 variant allele.
Comment: HTT: BP4, BP7

Labcorp Genetics (formerly Invitae), Labcorp
Classification: Benign. Last evaluated: 2021-03-16. Review status: criteria provided, single submitter. Criteria: Invitae Variant Classification Sherloc (09022015). Collection method: clinical testing. Allele origin: germline.